The following is an entry in ClinVar:

ClinVar aggregate classification (germline): Likely benign. Review status: criteria provided, multiple submitters, no conflicts (2 of 4 stars). 2 submissions from 2 submitters: Likely benign (2). Last evaluated 2026-01-13.

Conditions:
Bardet-Biedl syndrome (BBS). Identifiers: Orphanet 110, MedGen C0752166, MONDO:0015229.
BBS1-related disorder. Also called: BBS1-related condition.

Allele frequency attached by ClinVar (database versions not stated): ExAC 0.00001.

Submissions (2):

Labcorp Genetics (formerly Invitae), Labcorp
Classification: Likely benign for Bardet-Biedl syndrome. Last evaluated: 2026-01-13. Review status: criteria provided, single submitter. Criteria: Invitae Variant Classification Sherloc (09022015). Collection method: clinical testing. Allele origin: germline.

PreventionGenetics, part of Exact Sciences
Classification: Likely benign for BBS1-related condition. Last evaluated: 2025-08-26. Review status: criteria provided, single submitter. Criteria: ACMG Guidelines, 2015. Collection method: clinical testing. Allele origin: germline.
Comment: This variant is classified as likely benign based on ACMG/AMP sequence variant interpretation guidelines (Richards et al. 2015 PMID: 25741868, with internal and published modifications).

NM_024649.5(BBS1):c.1548G>A (p.Gly516=)

Genes: BBS1 (Bardet-Biedl syndrome 1; plus strand), ZDHHC24 (zDHHC palmitoyltransferase 24; minus strand). Cytogenetic location: 11q13.2.
Variant type: single nucleotide variant.
Coding change: c.1548G>A on transcript NM_024649.5 (MANE Select); coding-DNA position 1548, G replaced by A.
Protein change: p.Gly516=; no amino-acid change (glycine 516 retained).
Molecular consequence: synonymous variant. On other transcripts: intron variant (1).
Genome position (GRCh38, 1-based): chr11:66,530,968, G>A. VCF-style: chr11-66530968-G-A. GRCh37 (hg19) VCF-style: chr11-66298439-G-A.
Other names: c.560-1480C>T (NM_001348571.2).
Identifiers: ClinVar variation 2779286 (VCV002779286.4), dbSNP rs763101401, ClinGen allele CA6123807.